The following is an entry in ClinVar:

NM_001378418.1(TCF20):c.317C>T (p.Pro106Leu)

Gene: TCF20 (transcription factor 20; minus strand). Cytogenetic location: 22q13.2.
Variant type: single nucleotide variant.
Coding change: c.317C>T on transcript NM_001378418.1 (MANE Select); coding-DNA position 317, C replaced by T.
Protein change: p.Pro106Leu; replaces proline 106 with leucine.
Molecular consequence: missense variant.
Genome position (GRCh38, 1-based): chr22:42,214,989, G>A on the plus strand (C>T on the coding strand, the complement: TCF20 is on the minus strand). VCF-style: chr22-42214989-G-A. GRCh37 (hg19) VCF-style: chr22-42610995-G-A.
Other names: c.317C>T, p.Pro106Leu (NM_005650.4, NM_181492.3); short protein forms P106L.
Identifiers: ClinVar variation 1878266 (VCV001878266.1), dbSNP rs1921562021, ClinGen allele CA411793267.

ClinVar aggregate classification (germline): Uncertain significance (1 of 4 stars; one submission).

Submission:

Women's Health and Genetics/Laboratory Corporation of America, LabCorp
Classification: Uncertain significance. Last evaluated: 2022-12-09. Review status: criteria provided, single submitter. Criteria: LabCorp Variant Classification Summary - May 2015. Collection method: clinical testing. Allele origin: germline.
Comment: Variant summary: TCF20 c.317C>T (p.Pro106Leu) results in a non-conservative amino acid change in the encoded protein sequence. Two of four in-silico tools predict a benign effect of the variant on protein function. The variant was absent in 251474 control chromosomes (gnomAD). The available data on variant occurrences in the general population are insufficient to allow any conclusion about variant significance. To our knowledge, no occurrence of c.317C>T in individuals affected with Developmental Delay With Variable Intellectual Impairment And Behavioral Abnormalities and no experimental evidence demonstrating its impact on protein function have been reported. No clinical diagnostic laboratories have submitted clinical-significance assessments for this variant to ClinVar after 2014. Based on the evidence outlined above, the variant was classified as uncertain significance.